The following continues an entry in ClinVar:

NM_014270.5(SLC7A9):c.544G>A (p.Ala182Thr)

Gene: SLC7A9. ClinVar aggregate classification (germline): Conflicting classifications of pathogenicity. Pathogenic (8); Likely pathogenic (9); Uncertain significance (2).

Submissions 12 to 24 of 24:

Mayo Clinic Laboratories, Mayo Clinic
Classification: Pathogenic. Last evaluated: 2024-09-11. Review status: criteria provided, single submitter. Criteria: ACMG Guidelines, 2015. Collection method: clinical testing. Allele origin: germline. Observed: 1 variant allele.
Comment: PP4, PM3_strong, PS4

Laboratory for Molecular Medicine, Mass General Brigham Personalized Medicine
Classification: Likely pathogenic for Cystinuria. Last evaluated: 2024-02-28. Review status: criteria provided, single submitter. Criteria: ACMG Guidelines, 2015. Collection method: clinical testing. Allele origin: germline. Inheritance: Autosomal recessive inheritance.
Comment: The p.Ala182Thr variant in SLC7A9 has been reported in at least 15 heterozygous and >10 homozygous or compound heterozygous individual with non-type 1 cystinuria or cystinuria type B (Feliubadalo 1999 PMID: 10471498, Font 2001 PMID: 11157794, and Font-Llitjos 2005 PMID: 15635077, Rhodes 2015 PMID: 25964309, Tostivint 2017 PMID: 28646536). This variant has also been reported by other clinical laboratories in ClinVar (Variation ID 5782) and been identified in 0.4% (290/68028) of European chromosomes including 2 total homozygotes by gnomAD, (v.3.1.2). In vitro functional studies suggest that the p.Ala182Thr variant may be a mild mutation with reduced activity (Font 2001 PMID: 11157794, Reig 2002 PMID: 12234930). Computational prediction tools and conservation analyses do not provide strong support for or against an impact to the protein. Pathogenic variants in SLC7A9 are associated with cystinuria type B an autosomal recessive manner, though heterozygous carriers may have an elevated risk for kidney stones and increased cysteine excretion (Font-Llitjos 2005 PMID: 15635077, Fattah 2014 PMID: 25383320). In summary, although additional studies are required to fully establish its clinical significance, the p.Ala182Thr variant is likely pathogenic for cystinuria type B in an autosomal recessive manner, though some heterozygous carriers may also be at increased risk for a milder phenotype. ACMG/AMP Criteria applied: PS4, PM3, PS3_supporting.

Department of Pathology and Laboratory Medicine, Sinai Health System
Classification: Likely pathogenic for Cystinuria. Last evaluated: 2023-07-13. Review status: criteria provided, single submitter. Criteria: ACMG Guidelines, 2015. Collection method: research. Allele origin: germline.

Fulgent Genetics
Classification: Likely pathogenic for Cystinuria. Last evaluated: 2018-10-31. Review status: criteria provided, single submitter. Criteria: ACMG Guidelines, 2015. Collection method: clinical testing. Allele origin: unknown.

Illumina Laboratory Services, Illumina
Classification: Pathogenic for Cystinuria. Last evaluated: 2017-09-29. Review status: criteria provided, single submitter. Criteria: ICSL Variant Classification Criteria 09 May 2019. Collection method: clinical testing. Allele origin: germline.
Comment: The SLC7A9 c.544G>A (p.Ala182Thr) variant has been reported as one of the four most common SLC7A9 variants associated with cystinuria and is associated with a mild phenotype. The p.Ala182Thr variant has been reported in six studies in which it is found in a total of at least 29 affected individuals including three in a homozygous state, two in a compound heterozygous state and 24 in a heterozygous state. One individual homozygous for the p.Ala182Thr variant also carried compound heterozygous variants in the SLC3A1 gene and four of the heterozygotes also carried a second SLC7A9 variant in cis (Feliubadalo et al. 1999; Font et al. 2001; Harnevik et al. 2003; Font-Llitjos et al. 2005; Rhodes et al. 2015; Halbritter et al. 2015). The p.Ala182Thr variant was detected in a heterozygous state in one of at least 150 control individuals and is reported at a frequency of 0.00477 in the European American population of the Exome Sequencing Project. The Ala182 residue is not highly conserved. Functional studies demonstrate that the p.Ala182Thr variant enzyme is expressed at similar levels to wild type and results in aberrant trafficking to the plasma membrane and approximately 60% of activity compared to wild type, which is consistent with its presentation with a mild phenotype (Feliubadalo et al. 1999; Font et al. 2001; Reig et al. 2002; Font-Llitjos et al. 2005). While cystinuria generally displays an autosomal recessive mode of inheritance, some heterozygous carriers of variants in the SLC7A9 gene have abnormal urinary amino acid patterns and an increased risk of kidney stones (Eggermann et al. 2012). Based on the collective evidence, the p.Ala182Thr variant is classified as a pathogenic for cystinuria. This variant was observed by ICSL as part of a predisposition screen in an ostensibly healthy population.

Snyder Lab, Genetics Department, Stanford University
Classification: Pathogenic for Cystinuria. Last evaluated: 2017-01-01. Review status: criteria provided, single submitter. Criteria: ACMG Guidelines, 2015. Collection method: research. Allele origin: germline.

Arcensus
Classification: Likely pathogenic for Cystinuria. Last evaluated: 2013-02-01. Review status: criteria provided, single submitter. Criteria: ACMG Guidelines, 2015. Collection method: clinical testing. Allele origin: germline. Affected: yes.

UNC Molecular Genetics  Laboratory, University of North Carolina at Chapel Hill
Classification: Likely pathogenic for Cystinuria. Review status: criteria provided, single submitter. Criteria: ACMG Guidelines, 2015. Collection method: research. Allele origin: germline. Affected: no. Observed: 1 variant allele. Study: NSIGHT-NC NEXUS.
Comment: The SLC7A9 c.544G>A (p.A182T) variant has been reported as one of the four most common SLC7A9 variants found in patients with cystinuria type B and is associated with a mild phenotype (PMID: 11157794; 12239244; 15635077; 19782624; 25109415; 25964309).

carrier finding

Reproductive Health Research and Development, BGI Genomics
Classification: Pathogenic for Cystinuria. Last evaluated: 2020-01-06. Review status: no assertion criteria provided. Collection method: curation. Allele origin: germline. Not counted in ClinVar's aggregate classification.
Comment: NM_014270.4:c.544G>A in the SLC7A9 gene has an allele frequency of 0.006 in Ashkenazi Jewish subpopulation in the gnomAD database. The p.Ala182Thr (NM_014270.4:c.544G>A) variant in SLC7A9 has been reported in at least 15 heterozygous, 2 homozygous, and 3 compound heterozygous individual with cystinuria type B or non-type 1 cystinuria (PMID: 10471498; 11157794; 15635077). In vitro functional studies suggest that the p.Ala182Thr variant may be a mild mutation with reduced activity (PMID: 11157794; 12234930 ). Pathogenic computational verdict because pathogenic predictions from DANN, M-CAP, MVP, MutationTaster and REVEL. Taken together, we interprete this variant as Pathogenic/Likely pathogenic. ACMG/AMP Criteria applied: PS3, PM3_Strong, PP3.

Sydney Genome Diagnostics, Children's Hospital Westmead
Classification: Pathogenic for Cystinuria. Last evaluated: 2019-08-30. Review status: no assertion criteria provided. Collection method: clinical testing. Allele origin: unknown. Affected: yes. Observed: 1 variant allele, 1 heterozygote. Not counted in ClinVar's aggregate classification.
Comment: This variant has been widely reported to be disease causing in both heterozygous and compound heterozygous forms and is known to be one of the common mutations causing autosomal recessive cystinuria type I (PalaciÂ­n et al 2005 Physiology (Bethesda) 20: 112-124). Functional studies showed that the p.Ala182Thr substitution reduced but did not completely abolish transport activity (International Cystinuria Consortium 2001 Hum Mol Genet 10: 305-316). This variant is considered to be pathogenic according to the ACMG guidelines (Evidence used: PS3, PS4, PM3).

Knight Diagnostic Laboratories, Oregon Health and Sciences University
Classification: Likely pathogenic for Cystinuria. Last evaluated: 2014-07-29. Review status: no assertion criteria provided. Criteria: ACMG Guidelines, 2007. Collection method: clinical testing. Allele origin: germline. Inheritance: Autosomal recessive inheritance. Affected: no. Not counted in ClinVar's aggregate classification.

CSER _CC_NCGL, University of Washington
Classification: Likely pathogenic for Cystinuria, non-type I. Last evaluated: 2014-06-01. Review status: no assertion criteria provided. Collection method: research. Allele origin: germline. Inheritance: Autosomal recessive inheritance. Study: ESP 6500 variant annotation. Not counted in ClinVar's aggregate classification.
Comment: Variants classified for the Actionable exomic incidental findings in 6503 participants: challenges of variant classification manuscript

OMIM
Classification: Pathogenic for CYSTINURIA. Last evaluated: 2005-01-01. Review status: no assertion criteria provided. Collection method: literature only. Allele origin: germline. Not counted in ClinVar's aggregate classification.

Literature cited by the submitters: PubMed 10471498 (cited by 7 submitters); PubMed 11157794 (cited by 9 submitters); PubMed 12234930 (cited by 7 submitters); PubMed 12820697 (cited by 3 submitters); PubMed 15635077 (cited by 9 submitters); PubMed 22480232 (cited by 3 submitters); PubMed 25296721 (cited by 8 submitters); PubMed 25964309 (cited by 8 submitters); PubMed 11260385 (cited by 4 submitters); PubMed 25109415 (cited by 6 submitters); PubMed 28717662 (cited by Ambry Genetics and Mayo Clinic Laboratories, Mayo Clinic); PubMed 28646536 (cited by 5 submitters); PubMed 40794449 (cited by Rare Kidney Stone Consortium and the Mayo Clinic Hyperoxaluria Center, Mayo Clinic); PubMed 19782624 (cited by Mayo Clinic Laboratories, Mayo Clinic and UNC Molecular Genetics  Laboratory, University of North Carolina at Chapel Hill); PubMed 25777271 (cited by Mayo Clinic Laboratories, Mayo Clinic); PubMed 28812535 (cited by Mayo Clinic Laboratories, Mayo Clinic); PubMed 34805638 (cited by Mayo Clinic Laboratories, Mayo Clinic); PubMed 12239244 (cited by UNC Molecular Genetics  Laboratory, University of North Carolina at Chapel Hill).